The following is an entry in ClinVar:

ClinVar aggregate classification (germline): Likely pathogenic (1 of 4 stars; one submission).

Submission:

GeneDx
Classification: Likely pathogenic. Last evaluated: 2017-02-22. Review status: criteria provided, single submitter. Criteria: GeneDx Variant Classification (06012015). Collection method: clinical testing. Allele origin: germline. Affected: yes.
Comment: The c.811delC variant in the MNX1 gene has not been reported previously as a pathogenic variant nor as a benign variant, to our knowledge. The c.811delC variant causes a frameshift starting with codon Arginine 271, changes this amino acid to an Alanine residue, and creates a premature Stop codon at position 15 of the new reading frame, denoted p.Arg271AlafsX15. This variant is predicted to cause loss of normal protein function through protein truncation. The c.811delC variant is not observed in large population cohorts (Lek et al., 2016; 1000 Genomes Consortium et al., 2015; Exome Variant Server). We interpret c.811delC as a likely pathogenic variant.

NM_005515.4(MNX1):c.811del (p.Arg271fs)

Genes: MNX1 (motor neuron and pancreas homeobox 1; minus strand), MNX1-AS2 (MNX1 antisense RNA 2; plus strand). Cytogenetic location: 7q36.3.
Variant type: Deletion.
Coding change: c.811del on transcript NM_005515.4 (MANE Select); coding-DNA position 811, one base deleted (C; older notation c.811delC).
Protein change: p.Arg271fs; shifts the reading frame from arginine 271.
Molecular consequence: frameshift variant.
Genome position (GRCh38, 1-based): chr7:157,006,520, G deleted on the plus strand (C on the coding strand, the reverse complement: MNX1 is on the minus strand). VCF-style (leftmost placement, unchanged base first): chr7-157006519-CG-C. GRCh37 (hg19) VCF-style: chr7-156799213-CG-C.
Other names: c.175del, p.Arg59fs (NM_001165255.2); short protein forms R271fs, R59fs.
Identifiers: ClinVar variation 423860 (VCV000423860.2), dbSNP rs1064796665, ClinGen allele CA16618444.